The following is an entry in ClinVar:

NM_012418.4(FSCN2):c.257del (p.Arg86fs)

Gene: FSCN2 (fascin actin-bundling protein 2, retinal; plus strand). Cytogenetic location: 17q25.3.
Variant type: Deletion.
Coding change: c.257del on transcript NM_012418.4 (MANE Select); coding-DNA position 257, one base deleted (G; older notation c.257delG).
Protein change: p.Arg86fs; shifts the reading frame from arginine 86.
Molecular consequence: frameshift variant.
Genome position (GRCh38, 1-based): chr17:81,528,788, G deleted. VCF-style (leftmost placement, unchanged base first): chr17-81528787-CG-C. GRCh37 (hg19) VCF-style: chr17-79495813-CG-C.
Other names: c.257del, p.Arg86fs (NM_001077182.3); short protein forms R86fs.
Identifiers: ClinVar variation 1019913 (VCV001019913.6), dbSNP rs2032438167, ClinGen allele CA986842651.

ClinVar aggregate classification (germline): Uncertain significance (1 of 4 stars; one submission).

Allele frequency attached by ClinVar (database versions not stated): gnomAD exomes below 0.00001; TOPMed below 0.00001.

Submission:

Labcorp Genetics (formerly Invitae), Labcorp
Classification: Uncertain significance. Last evaluated: 2025-06-06. Review status: criteria provided, single submitter. Criteria: Invitae Variant Classification Sherloc (09022015). Collection method: clinical testing. Allele origin: germline.
Comment: This sequence change creates a premature translational stop signal (p.Arg86Leufs*59) in the FSCN2 gene. It is expected to result in an absent or disrupted protein product. However, the current clinical and genetic evidence is not sufficient to establish whether loss-of-function variants in FSCN2 cause disease. This variant is not present in population databases (gnomAD no frequency). This variant has not been reported in the literature in individuals affected with FSCN2-related conditions. ClinVar contains an entry for this variant (Variation ID: 1019913). In summary, the available evidence is currently insufficient to determine the role of this variant in disease. Therefore, it has been classified as a Variant of Uncertain Significance.